The following is an entry in ClinVar:

ClinVar aggregate classification (germline): Likely benign (0 of 4 stars; one submission).

Conditions:
DNAH10-related disorder. Also called: DNAH10-related condition.

Allele frequency attached by ClinVar (database versions not stated): gnomAD 0.00007; TOPMed 0.00012; ExAC 0.00014; gnomAD exomes 0.00019; ESP Exome Variant Server 0.00025.
gnomAD v4.1: 293 of 1,613,824 alleles (0.018%); highest among the groups gnomAD compares: Non-Finnish European, 0.023%; no homozygotes.

Submission:

PreventionGenetics, part of Exact Sciences
Classification: Likely benign for DNAH10-related condition. Last evaluated: 2019-11-12. Review status: no assertion criteria provided. Collection method: clinical testing. Allele origin: germline.
Comment: This variant is classified as likely benign based on ACMG/AMP sequence variant interpretation guidelines (Richards et al. 2015 PMID: 25741868, with internal and published modifications).

NM_001372106.1(DNAH10):c.12012C>T (p.Ser4004=)

Genes: DNAH10 (dynein axonemal heavy chain 10; plus strand), DNAH10OS (dynein axonemal heavy chain 10 opposite strand; minus strand). Cytogenetic location: 12q24.31.
Variant type: single nucleotide variant.
Coding change: c.12012C>T on transcript NM_001372106.1 (MANE Select); coding-DNA position 12012, C replaced by T.
Protein change: p.Ser4004=; no amino-acid change (serine 4004 retained).
Molecular consequence: synonymous variant.
Genome position (GRCh38, 1-based): chr12:123,926,727, C>T. VCF-style: chr12-123926727-C-T. GRCh37 (hg19) VCF-style: chr12-124411274-C-T.
Other names: c.11658C>T, p.Ser3886= (NM_001083900.1, NM_207437.3).
Identifiers: ClinVar variation 3045130 (VCV003045130.2), dbSNP rs372191025, ClinGen allele CA6865812.
Genomic context (GRCh38, chr12:123,926,727, plus strand): 5'-AGCTATTTTTGAGCAGAGCACTCCACATTCGCCCATTGTGTTTATCCTGAGTCCTGGCTC[C>T]GACCCTGCCACTGATCTTATGAAATTAGCAGAGCGAAGTGGTTTTGGAGGAAATCGCCTC-3'
Protein context (NP_001359035.1, residues 3994-4014): SPIVFILSPG[Ser4004=]DPATDLMKLA